The following is an entry in ClinVar:

ClinVar aggregate classification (germline): Uncertain significance. Review status: criteria provided, multiple submitters, no conflicts (2 of 4 stars). 2 submissions from 2 submitters: Uncertain significance (2). Last evaluated 2024-04-24.

Conditions:
Fanconi-Bickel syndrome (FBS). Also called: FANCONI SYNDROME WITH INTESTINAL MALABSORPTION AND GALACTOSE INTOLERANCE; HEPATIC GLYCOGENOSIS WITH AMINO ACIDURIA AND GLUCOSURIA; HEPATIC GLYCOGENOSIS WITH FANCONI NEPHROPATHY; HEPATORENAL GLYCOGENOSIS WITH RENAL FANCONI SYNDROME; PSEUDO-PHLORIZIN DIABETES; Glycogen storage disease due to GLUT2 deficiency. Identifiers: Orphanet 2088, MedGen C3495427, MONDO:0009216, OMIM 227810.
Type 2 diabetes mellitus. Also called: Type II diabetes mellitus. Identifiers: MedGen C0011860, MeSH D003924, MONDO:0005148, OMIM 125853, HP:0005978.

Allele frequency attached by ClinVar (database versions not stated): gnomAD 0.00001; ExAC 0.00002; TOPMed 0.00003.
gnomAD v4.1: 8 of 1,612,846 alleles (0.0005%); highest among the groups gnomAD compares: Admixed American, 0.012%; no homozygotes.

Submissions (2):

Fulgent Genetics
Classification: Uncertain significance for Type 2 diabetes mellitus; Fanconi-Bickel syndrome. Last evaluated: 2024-04-24. Review status: criteria provided, single submitter. Criteria: ACMG Guidelines, 2015. Collection method: clinical testing. Allele origin: germline.

Labcorp Genetics (formerly Invitae), Labcorp
Classification: Uncertain significance for Fanconi-Bickel syndrome. Last evaluated: 2022-01-15. Review status: criteria provided, single submitter. Criteria: Invitae Variant Classification Sherloc (09022015). Collection method: clinical testing. Allele origin: germline.
Comment: In summary, the available evidence is currently insufficient to determine the role of this variant in disease. Therefore, it has been classified as a Variant of Uncertain Significance. Advanced modeling of protein sequence and biophysical properties (such as structural, functional, and spatial information, amino acid conservation, physicochemical variation, residue mobility, and thermodynamic stability) performed at Invitae indicates that this missense variant is expected to disrupt SLC2A2 protein function. This variant has not been reported in the literature in individuals affected with SLC2A2-related conditions. This variant is present in population databases (rs750782646, gnomAD 0.01%). This sequence change replaces isoleucine, which is neutral and non-polar, with asparagine, which is neutral and polar, at codon 381 of the SLC2A2 protein (p.Ile381Asn).

NM_000340.2(SLC2A2):c.1142T>A (p.Ile381Asn)

Gene: SLC2A2 (solute carrier family 2 member 2; minus strand). Cytogenetic location: 3q26.2.
Variant type: single nucleotide variant.
Coding change: c.1142T>A on transcript NM_000340.2 (MANE Select); coding-DNA position 1142, T replaced by A.
Protein change: p.Ile381Asn; replaces isoleucine 381 with asparagine.
Molecular consequence: missense variant.
Genome position (GRCh38, 1-based): chr3:170,999,093, A>T on the plus strand (T>A on the coding strand, the complement: SLC2A2 is on the minus strand). VCF-style: chr3-170999093-A-T. GRCh37 (hg19) VCF-style: chr3-170716882-A-T.
Other names: c.785T>A, p.Ile262Asn (NM_001278658.2); c.623T>A, p.Ile208Asn (NM_001278659.2); short protein forms I262N, I208N, I381N.
Identifiers: ClinVar variation 2188793 (VCV002188793.5), dbSNP rs750782646, ClinGen allele CA2702482.